The following is an entry in ClinVar:

NM_022114.4(PRDM16):c.1797G>A (p.Ser599=)

Gene: PRDM16 (PR/SET domain 16; plus strand). Cytogenetic location: 1p36.32.
Variant type: single nucleotide variant.
Coding change: c.1797G>A on transcript NM_022114.4 (MANE Select); coding-DNA position 1797, G replaced by A.
Protein change: p.Ser599=; no amino-acid change (serine 599 retained).
Molecular consequence: synonymous variant.
Genome position (GRCh38, 1-based): chr1:3,411,994, G>A. VCF-style: chr1-3411994-G-A. GRCh37 (hg19) VCF-style: chr1-3328558-G-A.
Other names: c.1797G>A, p.Ser599= (NM_199454.3).
Identifiers: ClinVar variation 390967 (VCV000390967.25), dbSNP rs201769516, ClinGen allele CA544291.

ClinVar aggregate classification (germline): Benign/Likely benign. Review status: criteria provided, multiple submitters, no conflicts (2 of 4 stars). 6 submissions from 6 submitters: Benign (2); Likely benign (3). 1 of the submissions does not count toward it. Last evaluated 2026-02-01.

Conditions:
PRDM16-related disorder. Also called: PRDM16-related condition.
Left ventricular noncompaction 8 (LVNC8). Identifiers: Orphanet 154, Orphanet 54260, MedGen C3809288, MONDO:0014152, OMIM 615373.

Allele frequency attached by ClinVar (database versions not stated): gnomAD 0.00021 and 0.00024; ESP Exome Variant Server 0.00023; TOPMed 0.00032; 1000 Genomes Project 0.00060; 1000 Genomes Project 30x 0.00078.
gnomAD v4.1: 338 of 1,613,610 alleles (0.021%); highest among the groups gnomAD compares: South Asian, 0.11%; no homozygotes.

Submissions (6):

Labcorp Genetics (formerly Invitae), Labcorp
Classification: Benign for Left ventricular noncompaction 8. Last evaluated: 2026-02-01. Review status: criteria provided, single submitter. Criteria: Invitae Variant Classification Sherloc (09022015). Collection method: clinical testing. Allele origin: germline.

CeGaT Center for Human Genetics Tuebingen
Classification: Likely benign. Last evaluated: 2025-09-01. Review status: criteria provided, single submitter. Criteria: CeGaT Center For Human Genetics Tuebingen Variant Classification Criteria Version 2. Collection method: clinical testing. Allele origin: germline. Affected: yes. Observed: 2 variant alleles.
Comment: PRDM16: BP4, BP7

Blueprint Genetics
Classification: Likely benign. Last evaluated: 2024-11-05. Review status: criteria provided, single submitter. Criteria: ACMG Guidelines, 2015. Collection method: clinical testing. Allele origin: germline.

Women's Health and Genetics/Laboratory Corporation of America, LabCorp
Classification: Benign. Last evaluated: 2023-08-19. Review status: criteria provided, single submitter. Criteria: LabCorp Variant Classification Summary - May 2015. Collection method: clinical testing. Allele origin: germline.

GeneDx
Classification: Likely benign. Last evaluated: 2021-09-28. Review status: criteria provided, single submitter. Criteria: GeneDx Variant Classification Process June 2021. Collection method: clinical testing. Allele origin: germline. Affected: yes.

PreventionGenetics, part of Exact Sciences
Classification: Likely benign for PRDM16-related condition. Last evaluated: 2022-06-15. Review status: no assertion criteria provided. Collection method: clinical testing. Allele origin: germline. Not counted in ClinVar's aggregate classification.
Comment: This variant is classified as likely benign based on ACMG/AMP sequence variant interpretation guidelines (Richards et al. 2015 PMID: 25741868, with internal and published modifications).